The following is an entry in ClinVar:

ClinVar aggregate classification (germline): Uncertain significance. Review status: criteria provided, multiple submitters, no conflicts (2 of 4 stars). 3 submissions from 3 submitters: Uncertain significance (2). 1 of the submissions does not count toward it. Last evaluated 2025-01-23.

Conditions:
Thyroid hormone resistance, generalized, autosomal dominant (GRTHD). Also called: HYPERTHYROXINEMIA, FAMILIAL EUTHYROID, SECONDARY TO PITUITARY AND PERIPHERAL RESISTANCE TO THYROID HORMONES. Identifiers: MedGen C2937288, MONDO:0008569, OMIM 188570.

Allele frequency attached by ClinVar (database versions not stated): gnomAD 0.00001.
gnomAD v4.1: 1 of 1,613,798 alleles (0.000062%); highest among the groups gnomAD compares: Non-Finnish European, 0.000085%; no homozygotes.

Submissions (3):

Women's Health and Genetics/Laboratory Corporation of America, LabCorp
Classification: Uncertain significance. Last evaluated: 2025-01-23. Review status: criteria provided, single submitter. Criteria: LabCorp Variant Classification Summary - May 2015. Collection method: clinical testing. Allele origin: germline.
Comment: Variant summary: THRB c.1029T>G (p.Asn343Lys) results in a non-conservative amino acid change located in the Nuclear receptor (NR) ligand-binding (LBD) domain profile (IPR000536) of the encoded protein sequence. Four of five in-silico tools predict a damaging effect of the variant on protein function. The variant was absent in 251472 control chromosomes. c.1029T>G has been reported in the literature in individuals affected with Thyroid Hormone Resistance, Generalized, Autosomal Dominant (Grace_1995). These data indicate that the variant may be associated with disease. To our knowledge, no experimental evidence demonstrating an impact on protein function has been reported. The following publication have been ascertained in the context of this evaluation (PMID: 8535442). ClinVar contains an entry for this variant (Variation ID: 439307). Based on the evidence outlined above, the variant was classified as VUS-possibly pathogenic.

Quest Diagnostics Nichols Institute San Juan Capistrano
Classification: Uncertain significance. Last evaluated: 2024-09-05. Review status: criteria provided, single submitter. Criteria: Quest Diagnostics criteria. Collection method: clinical testing. Allele origin: unknown.
Comment: The THRB c.1029T>G (p.Asn343Lys) variant has been reported in the published literature in individuals with resistance to thyroid hormone (RTH) (PMID: 8535442 (1995)). The frequency of this variant in the general population, 0.0000066 (1/151910 chromosomes (Genome Aggregation Database)), is uninformative in the assessment of its pathogenicity. Analysis of this variant using bioinformatics tools for the prediction of the effect of amino acid changes on protein structure and function yielded predictions that this variant is damaging. Based on the available information, we are unable to determine the clinical significance of this variant.

Clinical Molecular Genetics Laboratory, Johns Hopkins All Children's Hospital
Classification: Pathogenic for Thyroid hormone resistance, generalized, autosomal dominant. Last evaluated: 2008-05-06. Review status: no assertion criteria provided. Collection method: clinical testing. Allele origin: germline. Affected: yes. Not counted in ClinVar's aggregate classification.

Literature cited by the submitters: PubMed 8535442 (cited by Women's Health and Genetics/Laboratory Corporation of America, LabCorp and Quest Diagnostics Nichols Institute San Juan Capistrano).

NM_001354712.2(THRB):c.1029T>G (p.Asn343Lys)

Gene: THRB (thyroid hormone receptor beta; minus strand). Cytogenetic location: 3p24.2.
Variant type: single nucleotide variant.
Coding change: c.1029T>G on transcript NM_001354712.2 (MANE Select); coding-DNA position 1029, T replaced by G.
Protein change: p.Asn343Lys; replaces asparagine 343 with lysine.
Molecular consequence: missense variant.
Genome position (GRCh38, 1-based): chr3:24,127,614, A>C on the plus strand (T>G on the coding strand, the complement: THRB is on the minus strand). VCF-style: chr3-24127614-A-C. GRCh37 (hg19) VCF-style: chr3-24169105-A-C.
Other names: c.1029T>G, p.Asn343Lys (NM_000461.5, NM_001128176.3, NM_001128177.2 and 6 more transcripts); c.936T>G, p.Asn312Lys (NM_001354714.2, NM_001354715.2); short protein forms N343K, N312K.
Identifiers: ClinVar variation 439307 (VCV000439307.5), dbSNP rs1354053223, ClinGen allele CA351888721.